The following is an entry in ClinVar:

ClinVar aggregate classification (germline): Uncertain significance. Review status: criteria provided, multiple submitters, no conflicts (2 of 4 stars). 3 submissions from 3 submitters: Uncertain significance (3). Last evaluated 2025-11-24.

Conditions:
Inborn genetic diseases. Identifiers: MedGen C0950123, MeSH D030342.

Allele frequency attached by ClinVar (database versions not stated): gnomAD exomes 0.00001; gnomAD 0.00002; TOPMed 0.00003.
gnomAD v4.1: 11 of 1,614,060 alleles (0.00068%); highest among the groups gnomAD compares: South Asian, 0.0033%; 1 homozygote.

Submissions (3):

Ambry Genetics
Classification: Uncertain significance for Inborn genetic diseases. Last evaluated: 2025-11-24. Review status: criteria provided, single submitter. Criteria: Ambry Variant Classification Scheme 2023. Collection method: clinical testing. Allele origin: germline.

Labcorp Genetics (formerly Invitae), Labcorp
Classification: Uncertain significance. Last evaluated: 2022-10-17. Review status: criteria provided, single submitter. Criteria: Invitae Variant Classification Sherloc (09022015). Collection method: clinical testing. Allele origin: germline.
Comment: This sequence change replaces glutamic acid, which is acidic and polar, with lysine, which is basic and polar, at codon 431 of the TSPEAR protein (p.Glu431Lys). This variant is present in population databases (no rsID available, gnomAD 0.01%). This variant has not been reported in the literature in individuals affected with TSPEAR-related conditions. ClinVar contains an entry for this variant (Variation ID: 1469345). Advanced modeling of protein sequence and biophysical properties (such as structural, functional, and spatial information, amino acid conservation, physicochemical variation, residue mobility, and thermodynamic stability) performed at Invitae indicates that this missense variant is not expected to disrupt TSPEAR protein function. In summary, the available evidence is currently insufficient to determine the role of this variant in disease. Therefore, it has been classified as a Variant of Uncertain Significance.

Blueprint Genetics
Classification: Uncertain significance. Last evaluated: 2017-11-13. Review status: criteria provided, single submitter. Criteria: ACMG Guidelines, 2015. Collection method: clinical testing. Allele origin: germline.

NM_144991.3(TSPEAR):c.1291G>A (p.Glu431Lys)

Gene: TSPEAR (thrombospondin type laminin G domain and EAR repeats; minus strand). Cytogenetic location: 21q22.3.
Variant type: single nucleotide variant.
Coding change: c.1291G>A on transcript NM_144991.3 (MANE Select); coding-DNA position 1291, G replaced by A.
Protein change: p.Glu431Lys; replaces glutamic acid 431 with lysine.
Molecular consequence: missense variant.
Genome position (GRCh38, 1-based): chr21:44,525,698, C>T on the plus strand (G>A on the coding strand, the complement: TSPEAR is on the minus strand). VCF-style: chr21-44525698-C-T. GRCh37 (hg19) VCF-style: chr21-45945581-C-T.
Other names: c.1291G>A (NM_144991.2); c.1087G>A, p.Glu363Lys (NM_001272037.2); short protein forms E363K, E431K.
Identifiers: ClinVar variation 1469345 (VCV001469345.12), dbSNP rs1326762769, ClinGen allele CA410439214.